The following is an entry in ClinVar:

NM_005026.5(PIK3CD):c.1002C>T (p.Asn334=)

Gene: PIK3CD (phosphatidylinositol-4,5-bisphosphate 3-kinase catalytic subunit delta; plus strand). Cytogenetic location: 1p36.22.
Variant type: single nucleotide variant.
Coding change: c.1002C>T on transcript NM_005026.5 (MANE Select); coding-DNA position 1002, C replaced by T.
Protein change: p.Asn334=; no amino-acid change (asparagine 334 retained).
Molecular consequence: synonymous variant.
Genome position (GRCh38, 1-based): chr1:9,717,608, C>T. VCF-style: chr1-9717608-C-T. GRCh37 (hg19) VCF-style: chr1-9777666-C-T.
Other names: p.Asn334=; c.1002C>T (LRG_191t1); c.1002C>T, p.Asn334= (NM_001350234.2); c.915C>T, p.Asn305= (NM_001350235.1).
Identifiers: ClinVar variation 541092 (VCV000541092.46), dbSNP rs28730670, ClinGen allele CA577046.

ClinVar aggregate classification (germline): Benign. Review status: criteria provided, multiple submitters, no conflicts (2 of 4 stars). 5 submissions from 5 submitters: Benign (5). Last evaluated 2026-01-23.

Conditions:
Immunodeficiency 14 (IMD14A). Also called: p110-DELTA-ACTIVATING MUTATION CAUSING SENESCENT T CELLS, LYMPHADENOPATHY, AND IMMUNODEFICIENCY; IMMUNODEFICIENCY 14A WITH LYMPHOPROLIFERATION, AUTOSOMAL DOMINANT; Activated PI3K Delta Syndrome Type 1 (APDS1); ACTIVATED PI3K-DELTA SYNDROME 1. Identifiers: Orphanet 397596, Orphanet 693661, MedGen C5907821, MONDO:0014222, OMIM 615513.

Allele frequency attached by ClinVar (database versions not stated): gnomAD exomes 0.00059 and 0.00136; ExAC 0.00161; gnomAD 0.00483 and 0.00506; TOPMed 0.00540; ESP Exome Variant Server 0.00546; 1000 Genomes Project 0.00759; 1000 Genomes Project 30x 0.00765.
gnomAD v4.1: 1,649 of 1,614,064 alleles (0.1%); highest among the groups gnomAD compares: African/African-American, 1.8%; 18 homozygotes.

Submissions (5):

Women's Health and Genetics/Laboratory Corporation of America, LabCorp
Classification: Benign. Last evaluated: 2026-01-23. Review status: criteria provided, single submitter. Criteria: LabCorp Variant Classification Summary - May 2015. Collection method: clinical testing. Allele origin: germline.

Labcorp Genetics (formerly Invitae), Labcorp
Classification: Benign for Activated PI3K-delta syndrome. Last evaluated: 2026-01-12. Review status: criteria provided, single submitter. Criteria: Invitae Variant Classification Sherloc (09022015). Collection method: clinical testing. Allele origin: germline.

Mayo Clinic Laboratories, Mayo Clinic
Classification: Benign. Last evaluated: 2024-12-02. Review status: criteria provided, single submitter. Criteria: ACMG Guidelines, 2015. Collection method: clinical testing. Allele origin: germline. Observed: 2 variant alleles.
Comment: BS1, BS2, BP4, BP7

ARUP Laboratories, Molecular Genetics and Genomics, ARUP Laboratories
Classification: Benign. Last evaluated: 2024-10-08. Review status: criteria provided, single submitter. Criteria: ARUP Molecular Germline Variant Investigation Process 2024. Collection method: clinical testing. Allele origin: germline.

CeGaT Center for Human Genetics Tuebingen
Classification: Benign. Last evaluated: 2022-10-01. Review status: criteria provided, single submitter. Criteria: CeGaT Center For Human Genetics Tuebingen Variant Classification Criteria Version 2. Collection method: clinical testing. Allele origin: germline. Affected: yes. Observed: 2 variant alleles.
Comment: PIK3CD: BP4, BP7, BS1, BS2